The following is an entry in ClinVar:

NM_003501.3(ACOX3):c.1848G>A (p.Glu616=)

Gene: ACOX3 (acyl-CoA oxidase 3, pristanoyl; minus strand). Cytogenetic location: 4p16.1.
Variant type: single nucleotide variant.
Coding change: c.1848G>A on transcript NM_003501.3 (MANE Select); coding-DNA position 1848, G replaced by A.
Protein change: p.Glu616=; no amino-acid change (glutamic acid 616 retained).
Molecular consequence: synonymous variant. On other transcripts: intron variant (3).
Genome position (GRCh38, 1-based): chr4:8,373,609, C>T on the plus strand (G>A on the coding strand, the complement: ACOX3 is on the minus strand). VCF-style: chr4-8373609-C-T. GRCh37 (hg19) VCF-style: chr4-8375336-C-T.
Other names: c.1848G>A, p.Glu616= (NM_001375783.1, NM_001375785.1, NM_001375786.1 and 1 more transcripts); c.1776G>A, p.Glu592= (NM_001375784.1); c.1563G>A, p.Glu521= (NM_001375789.1); c.1828+1369G>A (NM_001101667.2, NM_001375788.1); c.1654-6529G>A (NM_001375790.1).
Identifiers: ClinVar variation 2654655 (VCV002654655.24), dbSNP rs2474314392, ClinGen allele CA438296430.
Genomic context (GRCh38, chr4:8,373,609, plus strand): 5'-CCCACGGCTCACCTGGGAACACAAAGCCAGGACGGCGCTCTCCAACACTTCTCCCGCCTG[C>T]TCACCGGAGAAGTATCCTCCTGCAAGCACAGCCTCGGTCACATGGGGGCTGGGTCCAGTC-3'
Protein context (NP_003492.2, residues 606-626): LLYRGGYFSG[Glu616=]QAGEVLESAV

ClinVar aggregate classification (germline): Likely benign (1 of 4 stars; one submission).

Allele frequency attached by ClinVar (database versions not stated): gnomAD exomes below 0.00001.
gnomAD v4.1: 2 of 1,613,132 alleles (0.00012%); highest among the groups gnomAD compares: Non-Finnish European, 0.00017%; no homozygotes.

Submission:

CeGaT Center for Human Genetics Tuebingen
Classification: Likely benign. Last evaluated: 2022-11-01. Review status: criteria provided, single submitter. Criteria: CeGaT Center For Human Genetics Tuebingen Variant Classification Criteria Version 2. Collection method: clinical testing. Allele origin: germline. Affected: yes. Observed: 1 variant allele.
Comment: ACOX3: PM2:Supporting, BP4, BP7